The following is an entry in ClinVar:

NM_199420.4(POLQ):c.1412T>C (p.Ile471Thr)

Gene: POLQ (DNA polymerase theta; minus strand). Cytogenetic location: 3q13.33.
Variant type: single nucleotide variant.
Coding change: c.1412T>C on transcript NM_199420.4 (MANE Select); coding-DNA position 1412, T replaced by C.
Protein change: p.Ile471Thr; replaces isoleucine 471 with threonine.
Molecular consequence: missense variant.
Genome position (GRCh38, 1-based): chr3:121,519,927, A>G on the plus strand (T>C on the coding strand, the complement: POLQ is on the minus strand). VCF-style: chr3-121519927-A-G. GRCh37 (hg19) VCF-style: chr3-121238774-A-G.
Other names: short protein forms I471T.
Identifiers: ClinVar variation 3229831 (VCV003229831.1), dbSNP rs1330931639, ClinGen allele CA354119110.

ClinVar aggregate classification (germline): Uncertain significance (1 of 4 stars; one submission).

Submission:

Ambry Genetics
Classification: Uncertain significance. Last evaluated: 2023-12-15. Review status: criteria provided, single submitter. Criteria: Ambry Variant Classification Scheme 2023. Collection method: clinical testing. Allele origin: germline.
Comment: The p.I471T variant (also known as c.1412T>C), located in coding exon 9 of the POLQ gene, results from a T to C substitution at nucleotide position 1412. The isoleucine at codon 471 is replaced by threonine, an amino acid with similar properties. This amino acid position is conserved. In addition, this alteration is predicted to be tolerated by in silico analysis. Since supporting evidence is limited at this time, the clinical significance of this alteration remains unclear.